The following is an entry in ClinVar:

NM_001374259.2(IL12RB2):c.589A>G (p.Thr197Ala)

Gene: IL12RB2 (interleukin 12 receptor subunit beta 2; plus strand). Cytogenetic location: 1p31.3.
Variant type: single nucleotide variant.
Coding change: c.589A>G on transcript NM_001374259.2 (MANE Select); coding-DNA position 589, A replaced by G.
Protein change: p.Thr197Ala; replaces threonine 197 with alanine.
Molecular consequence: missense variant. On other transcripts: non-coding transcript variant (2).
Genome position (GRCh38, 1-based): chr1:67,328,309, A>G. VCF-style: chr1-67328309-A-G. GRCh37 (hg19) VCF-style: chr1-67793992-A-G.
Other names: c.589A>G, p.Thr197Ala (NM_001258214.1, NM_001258215.1, NM_001258216.1 and 2 more transcripts); short protein forms T197A.
Identifiers: ClinVar variation 4765765 (VCV004765765.1).

ClinVar aggregate classification (germline): Uncertain significance (1 of 4 stars; one submission).

gnomAD v4.1: 50 of 1,614,086 alleles (0.0031%); highest among the groups gnomAD compares: South Asian, 0.049%; no homozygotes.

Submission:

Labcorp Genetics (formerly Invitae), Labcorp
Classification: Uncertain significance. Last evaluated: 2025-03-20. Review status: criteria provided, single submitter. Criteria: Invitae Variant Classification Sherloc (09022015). Collection method: clinical testing. Allele origin: germline.
Comment: This sequence change replaces threonine, which is neutral and polar, with alanine, which is neutral and non-polar, at codon 197 of the IL12RB2 protein (p.Thr197Ala). This variant is present in population databases (rs755027807, gnomAD 0.02%). This variant has not been reported in the literature in individuals affected with IL12RB2-related conditions. An algorithm developed to predict the effect of missense changes on protein structure and function (PolyPhen-2) suggests that this variant is likely to be disruptive. In summary, the available evidence is currently insufficient to determine the role of this variant in disease. Therefore, it has been classified as a Variant of Uncertain Significance.